The following is an entry in ClinVar:

ClinVar aggregate classification (germline): Pathogenic/Likely pathogenic. Review status: criteria provided, multiple submitters, no conflicts (2 of 4 stars). 26 submissions from 24 submitters: Pathogenic (21); Likely pathogenic (1). 4 of the submissions do not count toward it. Last evaluated 2026-04-21.

Conditions:
MYBPC3-related disorder. Also called: MYBPC3-related disorders; MYBPC3-related condition; MYBPC3-related disease.
Left ventricular noncompaction 10 (LVNC10). Identifiers: Orphanet 154, Orphanet 54260, MedGen C3715165, MONDO:0014163, OMIM 615396.
Cardiovascular phenotype. Identifiers: MedGen CN230736.
Hypertrophic cardiomyopathy 4. Also called: Familial hypertrophic cardiomyopathy 4. Identifiers: MedGen C1861862, MONDO:0007268, OMIM 115197.
Cardiomyopathy (CMYO). Also called: Cardiomyopathies. Identifiers: Orphanet 167848, MedGen C0878544, MONDO:0004994, HP:0001638. Inheritance: Various modes of inheritance.
Primary familial hypertrophic cardiomyopathy (HCM). Identifiers: Orphanet 99739, MedGen C0949658, MeSH D024741, MONDO:0024573. Inheritance: Various modes of inheritance.
Hypertrophic cardiomyopathy. Also called: HYPERTROPHIC MYOCARDIOPATHY. Identifiers: Orphanet 217569, MedGen C0007194, MeSH D002312, MONDO:0005045, HP:0001639.

Allele frequency attached by ClinVar (database versions not stated): ExAC 0.00003; ESP Exome Variant Server 0.00008; TOPMed 0.00010.
gnomAD v4.1: 22 of 1,601,506 alleles (0.0014%); highest among the groups gnomAD compares: African/African-American, 0.029%; no homozygotes.

Submissions 1 to 9 of 26:

PreventionGenetics, part of Exact Sciences
Classification: Pathogenic for MYBPC3-related condition. Last evaluated: 2026-04-21. Review status: criteria provided, single submitter. Criteria: ACMG Guidelines, 2015. Collection method: clinical testing. Allele origin: germline.
Comment: The MYBPC3 c.3330+5G>C variant is predicted to interfere with splicing. This variant has been reported in multiple individuals with hypertrophic cardiomyopathy (Watkins et al. 1995. PubMed ID: 7493025; Table S7 - Alfares et al. 2015. PubMed ID: 25611685). In one family, the variant segregated in seven individuals with hypertrophic cardiomyopathy over three generations and was absent in eight unaffected individuals (Watkins et al. 1995. PubMed ID: 7493025). Of note, one unaffected individual was positive for this variant (Watkins et al. 1995. PubMed ID: 7493025). Splicing studies indicate this variant leads to exon skipping, which results in premature protein truncation (Watkins et al. 1995. PubMed ID: 7493025). This variant has been interpreted as pathogenic in the ClinVar database (Variation ID: 42706). Additionally, different variants affecting the same nucleotide (c.3330+5G>A and c.3330+5G>T) have been reported in individuals with hypertrophic cardiomyopathy (Table S7 - Alfares et al. 2015. PubMed ID: 25611685; Table S1 - Wang et al. 2014. PubMed ID: 25132132). This variant is reported in 0.031% of alleles in individuals of African descent in gnomAD. This variant is interpreted as pathogenic.

Labcorp Genetics (formerly Invitae), Labcorp
Classification: Pathogenic for Hypertrophic cardiomyopathy. Last evaluated: 2026-01-16. Review status: criteria provided, single submitter. Criteria: Invitae Variant Classification Sherloc (09022015). Collection method: clinical testing. Allele origin: germline.
Comment: This sequence change falls in intron 30 of the MYBPC3 gene. It does not directly change the encoded amino acid sequence of the MYBPC3 protein. RNA analysis indicates that this variant induces altered splicing and may result in an absent or altered protein product. This variant is present in population databases (rs373746463, gnomAD 0.03%). This variant has been observed in individual(s) with familial hypertrophic cardiomyopathy (PMID: 7493025). It has also been observed to segregate with disease in related individuals. ClinVar contains an entry for this variant (Variation ID: 42706). Variants that disrupt the consensus splice site are a relatively common cause of aberrant splicing (PMID: 17576681, 9536098). Studies have shown that this variant results in skipping of exon 30, and produces a non-functional protein and/or introduces a premature termination codon (PMID: 7493025). For these reasons, this variant has been classified as Pathogenic.

Mayo Clinic Laboratories, Mayo Clinic
Classification: Pathogenic. Last evaluated: 2024-09-19. Review status: criteria provided, single submitter. Criteria: ACMG Guidelines, 2015. Collection method: clinical testing. Allele origin: germline.
Comment: PP1_moderate, PS3, PS4_moderate, PVS1

All of Us Research Program, National Institutes of Health
Classification: Pathogenic for Hypertrophic cardiomyopathy. Last evaluated: 2024-09-13. Review status: criteria provided, single submitter. Criteria: ACMG Guidelines, 2015. Collection method: clinical testing. Allele origin: germline. Inheritance: Autosomal dominant inheritance. Observed: 11 variant alleles, 11 heterozygotes.
Comment: This variant causes a G to C nucleotide substitution at the +5 position of intron 30 of the MYBPC3 gene. Splice site prediction tools suggest that this variant may have a significant impact on RNA splicing. RNA studies have confirmed that this variant causes aberrant splicing, resulting in out-of-frame skipping of exon 30 and premature truncation (PMID: 7493025, 28679633). This variant has been reported in over 30 individuals affected with hypertrophic cardiomyopathy (PMID: 7493025, 23782526, 24704860, 25611685, 28193612, 29121657, 29212898, 30550750, 35508642, 36704059). It has been shown that this variant segregates with disease in affected families (PMID: 7493025, 24704860, ClinVar SCV000059231.5). This variant has been identified in 7/258400 chromosomes in the general population by the Genome Aggregation Database (gnomAD). Loss of MYBPC3 function is a known mechanism of disease. Based on the available evidence, this variant is classified as Pathogenic.

This study involves interpretation of variants in research participants for the purpose of population health screening. Participant phenotype was not available at the time of variant classification. Additional details can be found in publication PMID: 35346344, PMCID: PMC8962531

Blueprint Genetics
Classification: Pathogenic for MYBPC3-related disorders. Last evaluated: 2024-09-12. Review status: criteria provided, single submitter. Criteria: ACMG Guidelines, 2015. Collection method: clinical testing. Allele origin: germline. Affected: yes. Observed: 5 variant alleles.

New York Genome Center
Classification: Pathogenic for Left ventricular noncompaction 10; Hypertrophic cardiomyopathy 4. Last evaluated: 2024-08-13. Review status: criteria provided, single submitter. Criteria: NYGC Assertion Criteria 2020. Collection method: clinical testing. Allele origin: inherited. Observed: 1 variant allele, 1 heterozygote.
Comment: The inherited heterozygous c.3330+5G>C splice region variant identified in the MYBPC3 gene has been reported in ClinVar as Pathogenic or Likely Pathogenic by multiple submitters (Variation ID: 42706) and has been reported in multiple individuals with hypertrophic cardiomyopathy in the literature, including a large multigenerational family in which the variant segregated with the disease [PMID: 7493025, 28679633, 30550750, 34461741, 37652022, others]. The c.3330+5G>C variant is observed on 22 alleles (0.001374% minor allele frequency with 0 homozygotes) in population database gnomADv4.1.0, suggesting it is not a common benign variant in the populations represented in that database. The c.3330+5G>C variant affects an evolutionarily conserved nucleotide in intron 30 of this 35-exon gene and is predicted by multiple in silico tools to alter the wild-type mRNA splicing (SpliceAI DS DL = 0.3, SpliceAI DS DG = 0.26). Functional studies in lymphocytes from affected individuals showed this variant to cause skipping of exon 30 resulting in a frameshift and premature termination of translation [PMID: 7493025]. Two other splice region variants at the same nucleotide position, c.3330+5G>T and c.3330+5G>A, have also been reported in ClinVar [Variation IDs: 42707, 8602] and the literature [PMID: 28679633, 34461741, 37652022, others]. Based on available evidence this inherited c.3330+5G>C variant identified in MYBPC3 is classified as Pathogenic.

Color Diagnostics, LLC DBA Color Health
Classification: Pathogenic for Cardiomyopathy. Last evaluated: 2024-07-24. Review status: criteria provided, single submitter. Criteria: ACMG Guidelines, 2015. Collection method: clinical testing. Allele origin: germline.
Comment: This variant causes a G to C nucleotide substitution at the +5 position of intron 30 of the MYBPC3 gene. Splice site prediction tools suggest that this variant may have a significant impact on RNA splicing. RNA studies have confirmed that this variant causes aberrant splicing, resulting in out-of-frame skipping of exon 30 and premature truncation (PMID: 7493025, 28679633). This variant has been reported in over 30 individuals affected with hypertrophic cardiomyopathy (PMID: 7493025, 23782526, 24704860, 25611685, 28193612, 29121657, 29212898, 30550750, 35508642, 36704059). It has been shown that this variant segregates with disease in affected families (PMID: 7493025, 24704860, ClinVar SCV000059231.5). This variant has been identified in 7/258400 chromosomes in the general population by the Genome Aggregation Database (gnomAD). Loss of MYBPC3 function is a known mechanism of disease. Based on the available evidence, this variant is classified as Pathogenic.

Clinical Genetics Laboratory, Skane University Hospital Lund
Classification: Pathogenic. Last evaluated: 2024-01-12. Review status: criteria provided, single submitter. Criteria: ACMG Guidelines, 2015. Collection method: clinical testing. Allele origin: germline. Affected: yes.

Ambry Genetics
Classification: Pathogenic for Cardiovascular phenotype. Last evaluated: 2023-12-27. Review status: criteria provided, single submitter. Criteria: Ambry Variant Classification Scheme 2023. Collection method: clinical testing. Allele origin: germline.
Comment: The c.3330+5G>C intronic alteration consists of a G to C substitution 5 nucleotides after coding exon 30 in the MYBPC3 gene. Based on data from gnomAD, the C allele has an overall frequency of 0.003% (7/258400) total alleles studied. The highest observed frequency was 0.031% (7/22340) of African alleles. This variant was reported to cause skipping of exon 30 in lymphocytes from affected individuals and segregated with hypertrophic cardiomyopathy (HCM) in six individuals from three generations in one family (Watkins, 1995). This variant has also been detected in additional unrelated individuals with HCM (Miller, 2013; Alfares, 2015) This nucleotide position is highly conserved in available vertebrate species. In silico splice site analysis predicts that this alteration may weaken the native splice donor site and may result in the creation or strengthening of a novel splice donor site. Based on the available evidence, this alteration is classified as pathogenic.

NM_000256.3(MYBPC3):c.3330+5G>C

Gene: MYBPC3 (myosin binding protein C3; minus strand). Cytogenetic location: 11p11.2.
Variant type: single nucleotide variant.
Coding change: c.3330+5G>C on transcript NM_000256.3 (MANE Select); 5 bases into the intron after coding-DNA position 3330, G replaced by C.
Molecular consequence: intron variant.
Genome position (GRCh38, 1-based): chr11:47,333,189, C>G on the plus strand (G>C on the coding strand, the complement: MYBPC3 is on the minus strand). VCF-style: chr11-47333189-C-G. GRCh37 (hg19) VCF-style: chr11-47354740-C-G.
Identifiers: ClinVar variation 42706 (VCV000042706.45), dbSNP rs373746463, ClinGen allele CA013966.